The following is an entry in ClinVar:

NM_000478.6(ALPL):c.1259G>C (p.Gly420Ala)

Gene: ALPL (alkaline phosphatase, biomineralization associated; plus strand). Cytogenetic location: 1p36.12.
Variant type: single nucleotide variant.
Coding change: c.1259G>C on transcript NM_000478.6 (MANE Select); coding-DNA position 1259, G replaced by C.
Protein change: p.Gly420Ala; replaces glycine 420 with alanine.
Molecular consequence: missense variant.
Genome position (GRCh38, 1-based): chr1:21,576,591, G>C. VCF-style: chr1-21576591-G-C. GRCh37 (hg19) VCF-style: chr1-21903084-G-C.
Other names: p.Gly420Ala; c.1094G>C, p.Gly365Ala (NM_001127501.4); c.1028G>C, p.Gly343Ala (NM_001177520.3); c.1259G>C, p.Gly420Ala (NM_001369803.2, NM_001369804.2, NM_001369805.2); c.1259G>C (NM_000478.5); short protein forms G343A, G365A, G420A.
Identifiers: ClinVar variation 2576975 (VCV002576975.7), dbSNP rs2545347491, ClinGen allele CA338881802.

ClinVar aggregate classification (germline): Pathogenic/Likely pathogenic. Review status: criteria provided, multiple submitters, no conflicts (2 of 4 stars). 6 submissions from 6 submitters: Pathogenic (3); Likely pathogenic (3). Last evaluated 2025-08-29.

Conditions:
Hypophosphatasia. Also called: Phosphoethanol-aminuria. Identifiers: Orphanet 436, MedGen C0020630, MeSH D007014, MONDO:0018570.
ALPL-related disorder. Also called: ALPL-related condition; ALPL-related disorders.

Submissions (6):

Genomenon, Inc
Classification: Pathogenic for Hypophosphatasia. Last evaluated: 2025-08-29. Review status: criteria provided, single submitter. Criteria: Genomenon Sequence Variant Interpretation Standards. Collection method: curation. Allele origin: germline. Affected: yes.
Comment: ALPL p.Gly420Ala (c.1259G>C) is a missense variant that changes the amino acid at residue 420 from Glycine to Alanine. This variant has been observed in at least one proband affected with hypophosphatasia (PMID:25731960;33579333;19500388). At least one functional study has demonstrated a substantial alteration in protein function relative to the wild-type (PMID:19500388;23039266). It is absent or not present at a significant frequency in gnomAD. In silico models agree that this variant is possibly or probably damaging. In conclusion, we classify ALPL p.Gly420Ala (c.1259G>C) as a pathogenic variant.

GeneDx
Classification: Likely pathogenic. Last evaluated: 2025-03-18. Review status: criteria provided, single submitter. Criteria: GeneDx Variant Classification Process June 2021. Collection method: clinical testing. Allele origin: germline. Affected: yes.
Comment: Reported in the heterozygous state without a second variant in patients with odontohypophosphatasia or mild HPP in published literature (PMID: 19500388, 25731960, 32160374); Reported with a second variant (phase unknown) in a patient with childhood hypophosphatasia in published literature (PMID: 32160374); Published functional studies demonstrate a damaging effect on enzymatic activity and a dominant negative effect (PMID: 19500388, 37422472); Not observed at significant frequency in large population cohorts (gnomAD); In silico analysis supports that this missense variant has a deleterious effect on protein structure/function; This variant is associated with the following publications: (PMID: 29967930, 37422472, 19500388, 31400546, 25731960, 32160374)

PreventionGenetics, part of Exact Sciences
Classification: Pathogenic for ALPL-related condition. Last evaluated: 2024-11-26. Review status: criteria provided, single submitter. Criteria: ACMG Guidelines, 2015. Collection method: clinical testing. Allele origin: germline.
Comment: The ALPL c.1259G>C variant is predicted to result in the amino acid substitution p.Gly420Ala. This variant has been reported in the heterozygous state in individuals with odontohypophosphatasia (Fauvert et al. 2009. PubMed ID: 19500388; Whyte et al. 2015. PubMed ID: 25731960; Table S2, Del Angel et al. 2020. PubMed ID: 32160374). This variant was also reported in the compound heterozygous state with another pathogenic variant in an individual with childhood hypophosphatasia (Table S2, Del Angel et al. 2020. PubMed ID: 32160374). Functional studies showed that this variant possesses ~4% residual activity compared to wild type protein (Fauvert et al. 2009. PubMed ID: 19500388). This variant has not been reported in a large population database, indicating this variant is rare. Alternate nucleotide changes affecting the same amino acid (p.Gly420Ser, p.Gly420Asp, and p.Gly420Val) have been reported in individuals with hypophosphatasia (Table S1, Del Angel et al. 2020. PubMed ID: 32160374; Glotov et al. 2022. PubMed ID: 36361766). This variant is interpreted as pathogenic for both autosomal dominant and autosomal recessive ALPL-associated hypophosphatasia.

JKU Lab, Dept of Paediatrics, Johannes Kepler University
Classification: Likely pathogenic for Hypophosphatasia. Last evaluated: 2023-12-05. Review status: criteria provided, single submitter. Criteria: ACMG Guidelines, 2015. Collection method: clinical testing. Allele origin: germline. Affected: yes. Observed: 1 heterozygote.
Comment: Absent in GnomAD.

Molecular Diagnostics Laboratory, M Health Fairview: University of Minnesota
Classification: Likely pathogenic for Hypophosphatasia. Last evaluated: 2023-05-04. Review status: criteria provided, single submitter. Criteria: ACMG Guidelines, 2015. Collection method: clinical testing. Allele origin: germline. Affected: yes.

Labcorp Genetics (formerly Invitae), Labcorp
Classification: Pathogenic. Last evaluated: 2023-02-14. Review status: criteria provided, single submitter. Criteria: Invitae Variant Classification Sherloc (09022015). Collection method: clinical testing. Allele origin: germline.
Comment: This sequence change replaces glycine, which is neutral and non-polar, with alanine, which is neutral and non-polar, at codon 420 of the ALPL protein (p.Gly420Ala). This variant is not present in population databases (gnomAD no frequency). This missense change has been observed in individual(s) with hypophosphatasia (PMID: 19500388, 25731960, 32160374). Advanced modeling of protein sequence and biophysical properties (such as structural, functional, and spatial information, amino acid conservation, physicochemical variation, residue mobility, and thermodynamic stability) performed at Invitae indicates that this missense variant is expected to disrupt ALPL protein function. For these reasons, this variant has been classified as Pathogenic.

Literature cited by the submitters: PubMed 25731960 (cited by Genomenon, Inc and Labcorp Genetics (formerly Invitae), Labcorp); PubMed 33579333 (cited by Genomenon, Inc); PubMed 19500388 (cited by Genomenon, Inc and Labcorp Genetics (formerly Invitae), Labcorp); PubMed 23039266 (cited by Genomenon, Inc); PubMed 32160374 (cited by Labcorp Genetics (formerly Invitae), Labcorp).